The following is an entry in ClinVar:

ClinVar aggregate classification (germline): Likely benign. Review status: criteria provided, multiple submitters, no conflicts (2 of 4 stars). 7 submissions from 6 submitters: Likely benign (7). Last evaluated 2025-11-04.

Conditions:
Inborn genetic diseases. Identifiers: MedGen C0950123, MeSH D030342.
Autosomal dominant nocturnal frontal lobe epilepsy 5. Also called: CILIARY DYSKINESIA, PRIMARY, 28, WITHOUT SITUS INVERSUS; CILIARY DYSKINESIA, PRIMARY, 28, WITH SITUS INVERSUS; KCNT1-Related Epilepsy; Epilepsy, nocturnal frontal lobe, 5. Identifiers: Orphanet 98784, MedGen C3554306, MONDO:0014002, OMIM 615005.
Developmental and epileptic encephalopathy, 14 (DEE14). Also called: Early infantile epileptic encephalopathy 14. Identifiers: Orphanet 293181, MedGen C3554195, MONDO:0013989, OMIM 614959.

Allele frequency attached by ClinVar (database versions not stated): TOPMed 0.00004; gnomAD exomes 0.00006 and 0.00008; ESP Exome Variant Server 0.00008; ExAC 0.00010; gnomAD 0.00011.
gnomAD v4.1: 100 of 1,613,772 alleles (0.0062%); highest among the groups gnomAD compares: Non-Finnish European, 0.0078%; no homozygotes.

Submissions (7):

Labcorp Genetics (formerly Invitae), Labcorp
Classification: Likely benign for Autosomal dominant nocturnal frontal lobe epilepsy 5; Developmental and epileptic encephalopathy, 14. Last evaluated: 2025-11-04. Review status: criteria provided, single submitter. Criteria: Invitae Variant Classification Sherloc (09022015). Collection method: clinical testing. Allele origin: germline.

CeGaT Center for Human Genetics Tuebingen
Classification: Likely benign. Last evaluated: 2025-08-01. Review status: criteria provided, single submitter. Criteria: CeGaT Center For Human Genetics Tuebingen Variant Classification Criteria Version 2. Collection method: clinical testing. Allele origin: germline. Affected: yes. Observed: 2 variant alleles.
Comment: KCNT1: BP4, BP7

Blueprint Genetics
Classification: Likely benign. Last evaluated: 2024-10-07. Review status: criteria provided, single submitter. Criteria: ACMG Guidelines, 2015. Collection method: clinical testing. Allele origin: germline.

Genome-Nilou Lab
Classification: Likely benign for Developmental and epileptic encephalopathy, 14. Last evaluated: 2022-03-15. Review status: criteria provided, single submitter. Criteria: ACMG Guidelines, 2015. Collection method: clinical testing. Allele origin: germline. Affected: no.

Genome-Nilou Lab
Classification: Likely benign for Autosomal dominant nocturnal frontal lobe epilepsy 5. Last evaluated: 2022-03-15. Review status: criteria provided, single submitter. Criteria: ACMG Guidelines, 2015. Collection method: clinical testing. Allele origin: germline. Affected: no.

GeneDx
Classification: Likely benign. Last evaluated: 2019-01-07. Review status: criteria provided, single submitter. Criteria: GeneDx Variant Classification Process June 2021. Collection method: clinical testing. Allele origin: germline. Affected: yes.

Ambry Genetics
Classification: Likely benign for Inborn genetic diseases. Last evaluated: 2017-07-17. Review status: criteria provided, single submitter. Criteria: Ambry Variant Classification Scheme 2023. Collection method: clinical testing. Allele origin: germline.

NM_020822.3(KCNT1):c.2673C>T (p.Ala891=)

Gene: KCNT1 (potassium sodium-activated channel subfamily T member 1; plus strand). Cytogenetic location: 9q34.3.
Variant type: single nucleotide variant.
Coding change: c.2673C>T on transcript NM_020822.3 (MANE Select); coding-DNA position 2673, C replaced by T.
Protein change: p.Ala891=; no amino-acid change (alanine 891 retained).
Molecular consequence: synonymous variant.
Genome position (GRCh38, 1-based): chr9:135,778,766, C>T. VCF-style: chr9-135778766-C-T. GRCh37 (hg19) VCF-style: chr9-138670612-C-T.
Other names: c.2538C>T, p.Ala846= (NM_001272003.2).
Identifiers: ClinVar variation 513646 (VCV000513646.26), dbSNP rs373503298, ClinGen allele CA5327386.